The following is an entry in ClinVar:

NM_000246.4(CIITA):c.3106G>T (p.Ala1036Ser)

Gene: CIITA (class II major histocompatibility complex transactivator; plus strand). Cytogenetic location: 16p13.13.
Variant type: single nucleotide variant.
Coding change: c.3106G>T on transcript NM_000246.4 (MANE Select); coding-DNA position 3106, G replaced by T.
Protein change: p.Ala1036Ser; replaces alanine 1036 with serine.
Molecular consequence: missense variant. On other transcripts: non-coding transcript variant (1).
Genome position (GRCh38, 1-based): chr16:10,918,483, G>T. VCF-style: chr16-10918483-G-T. GRCh37 (hg19) VCF-style: chr16-11012340-G-T.
Other names: c.3109G>T, p.Ala1037Ser (NM_001286402.1, NM_001379332.1); c.1354G>T, p.Ala452Ser (NM_001286403.2); c.2962G>T, p.Ala988Ser (NM_001379330.1); c.2959G>T, p.Ala987Ser (NM_001379331.1); c.3106G>T, p.Ala1036Ser (NM_001379333.1); c.3037G>T, p.Ala1013Ser (NM_001379334.1); short protein forms A452S, A987S, A1037S, A1036S, A1013S, A988S.
Identifiers: ClinVar variation 939605 (VCV000939605.8), dbSNP rs775994032, ClinGen allele CA7900663.

ClinVar aggregate classification (germline): Uncertain significance. Review status: criteria provided, single submitter (1 of 4 stars). 2 submissions from 2 submitters: Uncertain significance (1). 1 of the submissions does not count toward it. Last evaluated 2022-06-22.

Conditions:
MHC class II deficiency. Also called: Bare lymphocyte syndrome 2; BLS, TYPE II. Identifiers: Orphanet 572, MedGen C5447452, MONDO:0008855.

Allele frequency attached by ClinVar (database versions not stated): TOPMed below 0.00001; ExAC 0.00002.
gnomAD v4.1: 7 of 1,614,122 alleles (0.00043%); highest among the groups gnomAD compares: Non-Finnish European, 0.00051%; no homozygotes.

Submissions (2):

Labcorp Genetics (formerly Invitae), Labcorp
Classification: Uncertain significance for MHC class II deficiency. Last evaluated: 2022-06-22. Review status: criteria provided, single submitter. Criteria: Invitae Variant Classification Sherloc (09022015). Collection method: clinical testing. Allele origin: germline.
Comment: In summary, the available evidence is currently insufficient to determine the role of this variant in disease. Therefore, it has been classified as a Variant of Uncertain Significance. Algorithms developed to predict the effect of missense changes on protein structure and function are either unavailable or do not agree on the potential impact of this missense change (SIFT: "Deleterious"; PolyPhen-2: "Probably Damaging"; Align-GVGD: "Class C0"). ClinVar contains an entry for this variant (Variation ID: 939605). This variant has not been reported in the literature in individuals affected with CIITA-related conditions. This variant is present in population databases (rs775994032, gnomAD 0.002%). This sequence change replaces alanine, which is neutral and non-polar, with serine, which is neutral and polar, at codon 1036 of the CIITA protein (p.Ala1036Ser).

Natera, Inc.
Classification: Uncertain significance for Bare lymphocyte syndrome type II. Last evaluated: 2020-03-11. Review status: no assertion criteria provided. Collection method: clinical testing. Allele origin: germline. Not counted in ClinVar's aggregate classification.